The following is an entry in ClinVar:

NM_000264.5(PTCH1):c.1295A>C (p.Lys432Thr)

Gene: PTCH1 (patched 1; minus strand). Cytogenetic location: 9q22.32.
Variant type: single nucleotide variant.
Coding change: c.1295A>C on transcript NM_000264.5 (MANE Select); coding-DNA position 1295, A replaced by C.
Protein change: p.Lys432Thr; replaces lysine 432 with threonine.
Molecular consequence: missense variant. On other transcripts: non-coding transcript variant (1).
Genome position (GRCh38, 1-based): chr9:95,478,107, T>G on the plus strand (A>C on the coding strand, the complement: PTCH1 is on the minus strand). VCF-style: chr9-95478107-T-G. GRCh37 (hg19) VCF-style: chr9-98240389-T-G.
Other names: c.842A>C, p.Lys281Thr (NM_001083606.3, NM_001083607.3, NM_001083604.3 and 1 more transcripts); c.1295A>C, p.Lys432Thr (NM_001354918.2); c.1097A>C, p.Lys366Thr (NM_001083602.3); c.1292A>C, p.Lys431Thr (NM_001083603.3); short protein forms K281T, K366T, K431T, K432T.
Identifiers: ClinVar variation 1056390 (VCV001056390.12), dbSNP rs1841223979, ClinGen allele CA374118807.

ClinVar aggregate classification (germline): Uncertain significance. Review status: criteria provided, multiple submitters, no conflicts (2 of 4 stars). 2 submissions from 2 submitters: Uncertain significance (2). Last evaluated 2024-11-12.

Conditions:
Hereditary cancer-predisposing syndrome. Also called: Hereditary Cancer Syndrome; Tumor predisposition; Hereditary neoplastic syndrome; Neoplastic Syndromes, Hereditary. Identifiers: Orphanet 140162, MedGen C0027672, MeSH D009386, MONDO:0015356.
Gorlin syndrome. Also called: Nevoid Basal Cell Carcinoma Syndrome; Basal cell nevus syndrome. Identifiers: Orphanet 377, MedGen C0004779, MONDO:0007187.

Allele frequency attached by ClinVar (database versions not stated): gnomAD exomes below 0.00001; TOPMed below 0.00001.
gnomAD v4.1: 1 of 1,614,124 alleles (0.000062%); highest among the groups gnomAD compares: Non-Finnish European, 0.000085%; no homozygotes.

Submissions (2):

Ambry Genetics
Classification: Uncertain significance for Hereditary cancer-predisposing syndrome. Last evaluated: 2024-11-12. Review status: criteria provided, single submitter. Criteria: Ambry Variant Classification Scheme 2023. Collection method: clinical testing. Allele origin: germline.
Comment: The p.K432T variant (also known as c.1295A>C), located in coding exon 9 of the PTCH1 gene, results from an A to C substitution at nucleotide position 1295. The lysine at codon 432 is replaced by threonine, an amino acid with similar properties. This amino acid position is conserved. In addition, the in silico prediction for this alteration is inconclusive. Since supporting evidence is limited at this time, the clinical significance of this alteration remains unclear.

Labcorp Genetics (formerly Invitae), Labcorp
Classification: Uncertain significance for Gorlin syndrome. Last evaluated: 2024-06-04. Review status: criteria provided, single submitter. Criteria: Invitae Variant Classification Sherloc (09022015). Collection method: clinical testing. Allele origin: germline.
Comment: This sequence change replaces lysine, which is basic and polar, with threonine, which is neutral and polar, at codon 432 of the PTCH1 protein (p.Lys432Thr). This variant is not present in population databases (gnomAD no frequency). This variant has not been reported in the literature in individuals affected with PTCH1-related conditions. ClinVar contains an entry for this variant (Variation ID: 1056390). Advanced modeling of protein sequence and biophysical properties (such as structural, functional, and spatial information, amino acid conservation, physicochemical variation, residue mobility, and thermodynamic stability) performed at Invitae indicates that this missense variant is not expected to disrupt PTCH1 protein function with a negative predictive value of 95%. In summary, the available evidence is currently insufficient to determine the role of this variant in disease. Therefore, it has been classified as a Variant of Uncertain Significance.